The following is an entry in ClinVar:

NM_001367624.2(ZNF469):c.8401G>C (p.Gly2801Arg)

Gene: ZNF469 (zinc finger protein 469; plus strand). Cytogenetic location: 16q24.2.
Variant type: single nucleotide variant.
Coding change: c.8401G>C on transcript NM_001367624.2 (MANE Select); coding-DNA position 8401, G replaced by C.
Protein change: p.Gly2801Arg; replaces glycine 2801 with arginine.
Molecular consequence: missense variant.
Genome position (GRCh38, 1-based): chr16:88,435,871, G>C. VCF-style: chr16-88435871-G-C. GRCh37 (hg19) VCF-style: chr16-88502279-G-C.
Other names: NM_001127464.1:c.8317G>C; short protein forms G2801R.
Identifiers: ClinVar variation 1300881 (VCV001300881.10), dbSNP rs555522972, ClinGen allele CA8225332.

ClinVar aggregate classification (germline): Conflicting classifications of pathogenicity. Review status: criteria provided, conflicting classifications (1 of 4 stars). 5 submissions from 5 submitters: Uncertain significance (4); Benign (1). Last evaluated 2026-04-20.

Conditions:
Cardiovascular phenotype. Identifiers: MedGen CN230736.

Allele frequency attached by ClinVar (database versions not stated): ExAC 0.00016; 1000 Genomes Project 0.00040; gnomAD 0.00042 and 0.00043; 1000 Genomes Project 30x 0.00047; TOPMed 0.00051.
gnomAD v4.1: 100 of 1,550,230 alleles (0.0065%); highest among the groups gnomAD compares: African/African-American, 0.12%; no homozygotes.

Submissions (5):

Women's Health and Genetics/Laboratory Corporation of America, LabCorp
Classification: Uncertain significance. Last evaluated: 2026-04-20. Review status: criteria provided, single submitter. Criteria: LabCorp Variant Classification Summary - May 2015. Collection method: clinical testing. Allele origin: germline.

Labcorp Genetics (formerly Invitae), Labcorp
Classification: Uncertain significance. Last evaluated: 2024-11-12. Review status: criteria provided, single submitter. Criteria: Invitae Variant Classification Sherloc (09022015). Collection method: clinical testing. Allele origin: germline.
Comment: This sequence change replaces glycine, which is neutral and non-polar, with arginine, which is basic and polar, at codon 2773 of the ZNF469 protein (p.Gly2773Arg). This variant is present in population databases (rs555522972, gnomAD 0.1%). This variant has not been reported in the literature in individuals affected with ZNF469-related conditions. ClinVar contains an entry for this variant (Variation ID: 1300881). An algorithm developed to predict the effect of missense changes on protein structure and function (PolyPhen-2) suggests that this variant is likely to be disruptive. In summary, the available evidence is currently insufficient to determine the role of this variant in disease. Therefore, it has been classified as a Variant of Uncertain Significance.

Greenwood Genetic Center Diagnostic Laboratories, Greenwood Genetic Center
Classification: Uncertain significance. Last evaluated: 2024-08-23. Review status: criteria provided, single submitter. Criteria: ACMG Guidelines, 2015. Collection method: clinical testing. Allele origin: germline. Affected: yes.
Comment: BP4

Ambry Genetics
Classification: Benign for Cardiovascular phenotype. Last evaluated: 2024-07-18. Review status: criteria provided, single submitter. Criteria: Ambry Variant Classification Scheme 2023. Collection method: clinical testing. Allele origin: germline.

GeneDx
Classification: Uncertain significance. Last evaluated: 2024-06-07. Review status: criteria provided, single submitter. Criteria: GeneDx Variant Classification Process June 2021. Collection method: clinical testing. Allele origin: germline. Affected: yes.
Comment: In silico analysis indicates that this missense variant does not alter protein structure/function; Has not been previously published as pathogenic or benign to our knowledge